The following is an entry in ClinVar:

ClinVar aggregate classification (germline): Pathogenic (1 of 4 stars; one submission).

Conditions:
Cerebral cavernous malformation (CCM). Also called: CAVERNOUS ANGIOMA, FAMILIAL; CAVERNOUS ANGIOMATOUS MALFORMATIONS; CEREBRAL CAPILLARY MALFORMATIONS; Cavernous Hemangioma of Brain; Cerebral cavernous hemangioma (type); Cerebral cavernous malformations. Identifiers: Orphanet 221061, MedGen C2919945, MONDO:0000820, OMIM 116860, HP:0033522.

Submission:

Clinical Genomics Laboratory, Washington University in St. Louis
Classification: Pathogenic for Cerebral cavernous malformation. Last evaluated: 2024-04-10. Review status: criteria provided, single submitter. Criteria: ACMG Guidelines, 2015. Collection method: clinical testing. Allele origin: germline. Affected: yes.
Comment: A KRIT1 c.879_880delinsTT (p.Arg294*) variant was identified at an allelic fraction consistent with somatic origin. This dinucleotide substitution leads to a premature termination codon, which is predicted to lead to nonsense mediated decay. This variant, to our knowledge, has not been reported in the individuals with vascular malformations in the medical literature. Another variant (c.880C>T, p.Arg294*), that also results in a premature termination codon, has been identified as a germline variant in at least two individuals with cerebral cavernous malformation (Riant F et al., PMID: 23595507; Nardella G et al., PMID: 30161288) and has been reported in the ClinVar database as a germline pathogenic variant by three submitters (ClinVar ID: 590759). The KRIT1 c.879_880delinsTT (p.Arg294*) variant is absent from the general population (gnomAD v.4.0.0), indicating it is not a common variant. Based on an internally-developed protocol informed by the ACMG/AMP guidelines (Richards S et al., PMID: 25741868), the KRIT1 c.879_880delinsTT (p.Arg294*) variant is classified as pathogenic.

NM_194454.3(KRIT1):c.879_880delinsTT (p.Arg294Ter)

Gene: KRIT1 (KRIT1 ankyrin repeat containing; minus strand). Cytogenetic location: 7q21.2.
Variant type: Indel.
Coding change: c.879_880delinsTT on transcript NM_194454.3 (MANE Select); coding-DNA positions 879 to 880, CC replaced by TT.
Protein change: p.Arg294Ter; replaces arginine 294 with a stop codon.
Molecular consequence: nonsense. On other transcripts: intron variant (3).
Genome position (GRCh38, 1-based): chr7:92,234,558-92,234,559, GG replaced by AA on the plus strand (CC replaced by TT on the coding strand, the reverse complement: KRIT1 is on the minus strand). VCF-style: chr7-92234558-GG-AA. GRCh37 (hg19) VCF-style: chr7-91863872-GG-AA.
Other names: c.165_166delinsTT, p.Arg56Ter (NM_001350671.1); c.879_880delinsTT, p.Arg294Ter (NM_001350672.1, NM_001350673.1, NM_001350674.1 and 26 more transcripts); c.845+249_845+250delinsTT (NM_001350669.1, NM_001013406.2, NM_001350670.1); short protein forms R294*, R56*.
Identifiers: ClinVar variation 3237382 (VCV003237382.1), dbSNP rs2536005162.